The following is an entry in ClinVar:

NM_006231.4(POLE):c.1613C>T (p.Thr538Ile)

Gene: POLE (DNA polymerase epsilon, catalytic subunit; minus strand). Cytogenetic location: 12q24.33.
Variant type: single nucleotide variant.
Coding change: c.1613C>T on transcript NM_006231.4 (MANE Select); coding-DNA position 1613, C replaced by T.
Protein change: p.Thr538Ile; replaces threonine 538 with isoleucine.
Molecular consequence: missense variant.
Genome position (GRCh38, 1-based): chr12:132,672,700, G>A on the plus strand (C>T on the coding strand, the complement: POLE is on the minus strand). VCF-style: chr12-132672700-G-A. GRCh37 (hg19) VCF-style: chr12-133249286-G-A.
Other names: c.1613C>T (NM_006231.2); short protein forms T538I.
Identifiers: ClinVar variation 577025 (VCV000577025.9), dbSNP rs1565971628, ClinGen allele CA387356774.

ClinVar aggregate classification (germline): Uncertain significance. Review status: criteria provided, multiple submitters, no conflicts (2 of 4 stars). 2 submissions from 2 submitters: Uncertain significance (2). Last evaluated 2023-07-20.

Submissions (2):

GeneDx
Classification: Uncertain significance. Last evaluated: 2023-07-20. Review status: criteria provided, single submitter. Criteria: GeneDx Variant Classification Process June 2021. Collection method: clinical testing. Allele origin: germline. Affected: yes.
Comment: Not observed at significant frequency in large population cohorts (gnomAD); In silico analysis supports that this missense variant has a deleterious effect on protein structure/function; Has not been previously published as pathogenic or benign to our knowledge

Labcorp Genetics (formerly Invitae), Labcorp
Classification: Uncertain significance. Last evaluated: 2020-01-09. Review status: criteria provided, single submitter. Criteria: Invitae Variant Classification Sherloc (09022015). Collection method: clinical testing. Allele origin: germline.
Comment: In summary, the available evidence is currently insufficient to determine the role of this variant in disease. Therefore, it has been classified as a Variant of Uncertain Significance. Algorithms developed to predict the effect of missense changes on protein structure and function (SIFT, PolyPhen-2, Align-GVGD) all suggest that this variant is likely to be disruptive, but these predictions have not been confirmed by published functional studies and their clinical significance is uncertain. This variant has not been reported in the literature in individuals with POLE-related disease. This variant is not present in population databases (ExAC no frequency). This sequence change replaces threonine with isoleucine at codon 538 of the POLE protein (p.Thr538Ile). The threonine residue is highly conserved and there is a moderate physicochemical difference between threonine and isoleucine.